The following is an entry in ClinVar:

NM_032043.3(BRIP1):c.300G>A (p.Met100Ile)

Gene: BRIP1 (BRCA1 interacting DNA helicase 1; minus strand). Cytogenetic location: 17q23.2.
Variant type: single nucleotide variant.
Coding change: c.300G>A on transcript NM_032043.3 (MANE Select); coding-DNA position 300, G replaced by A.
Protein change: p.Met100Ile; replaces methionine 100 with isoleucine.
Molecular consequence: missense variant.
Genome position (GRCh38, 1-based): chr17:61,857,137, C>T on the plus strand (G>A on the coding strand, the complement: BRIP1 is on the minus strand). VCF-style: chr17-61857137-C-T. GRCh37 (hg19) VCF-style: chr17-59934498-C-T.
Other names: short protein forms M100I.
Identifiers: ClinVar variation 4867940 (VCV004867940.1).

ClinVar aggregate classification (germline): Uncertain significance (1 of 4 stars; one submission).

Conditions:
Hereditary cancer-predisposing syndrome. Also called: Neoplastic Syndromes, Hereditary; Tumor predisposition; Hereditary Cancer Syndrome; Hereditary neoplastic syndrome. Identifiers: Orphanet 140162, MedGen C0027672, MeSH D009386, MONDO:0015356.

Submission:

Ambry Genetics
Classification: Uncertain significance for Hereditary cancer-predisposing syndrome. Last evaluated: 2026-06-04. Review status: criteria provided, single submitter. Criteria: Ambry Variant Classification Scheme 2023. Collection method: clinical testing. Allele origin: germline.
Comment: The p.M100I variant (also known as c.300G>A), located in coding exon 3 of the BRIP1 gene, results from a G to A substitution at nucleotide position 300. The methionine at codon 100 is replaced by isoleucine, an amino acid with highly similar properties. This amino acid position is conserved. In addition, this alteration is predicted to be tolerated by in silico analysis. Based on the available evidence, the clinical significance of this variant remains unclear.